The following is an entry in ClinVar:

ClinVar aggregate classification (germline): Uncertain significance (0 of 4 stars; one submission).

Conditions:
PLXNA4-related disorder. Also called: PLXNA4-related condition.

gnomAD v4.1: 6 of 1,614,206 alleles (0.00037%); highest among the groups gnomAD compares: African/African-American, 0.0013%; no homozygotes.

Submission:

PreventionGenetics, part of Exact Sciences
Classification: Uncertain significance for PLXNA4-related condition. Last evaluated: 2024-09-16. Review status: no assertion criteria provided. Collection method: clinical testing. Allele origin: germline.
Comment: The PLXNA4 c.1499A>G variant is predicted to result in the amino acid substitution p.Lys500Arg. To our knowledge, this variant has not been reported in the literature or in a large population database, indicating this variant is rare. At this time, the clinical significance of this variant is uncertain due to the absence of conclusive functional and genetic evidence.

NM_020911.2(PLXNA4):c.1371+4406A>G

Gene: PLXNA4 (plexin A4; minus strand). Cytogenetic location: 7q32.3.
Variant type: single nucleotide variant.
Coding change: c.1371+4406A>G on transcript NM_020911.2 (MANE Select); 4406 bases into the intron after coding-DNA position 1371, A replaced by G.
Molecular consequence: intron variant. On other transcripts: missense variant (1).
Genome position (GRCh38, 1-based): chr7:132,484,886, T>C on the plus strand (A>G on the coding strand, the complement: PLXNA4 is on the minus strand). VCF-style: chr7-132484886-T-C. GRCh37 (hg19) VCF-style: chr7-132169645-T-C.
Other names: c.1499A>G, p.Lys500Arg (NM_181775.4); c.1371+4406A>G (NM_001393897.1, NM_001105543.2); short protein forms K500R.
Identifiers: ClinVar variation 3345532 (VCV003345532.1).